The following is an entry in ClinVar:

NM_000535.7(PMS2):c.989-21_989-20del

Gene: PMS2 (PMS1 homolog 2, mismatch repair system component; minus strand). Cytogenetic location: 7p22.1.
Variant type: Microsatellite.
Coding change: c.989-21_989-20del on transcript NM_000535.7 (MANE Select); 21 bases into the intron before coding-DNA position 989 through 20 bases into the intron before coding-DNA position 989, 2 bases deleted (AT; older notation c.989-21_989-20delAT).
Molecular consequence: intron variant.
Genome position (GRCh38, 1-based): chr7:5,989,975-5,989,976, AT deleted on the plus strand (AT on the coding strand, the reverse complement: PMS2 is on the minus strand); deleting any 2 consecutive bases within chr7:5,989,975-5,989,978 gives the same sequence; the c. name uses the placement nearest the transcript's 3' end. VCF-style (leftmost placement, unchanged base first): chr7-5989974-CAT-C. GRCh37 (hg19) VCF-style: chr7-6029605-CAT-C.
Other names: c.989-21_989-20delAT (NM_000535.5, NM_000535.6); c.671-21_671-20del (NM_001322008.2, NM_001322007.2); c.583+1997_583+1998del (NM_001322010.2); c.584-21_584-20del (NM_001322004.2, NM_001322003.2, NM_001322009.2 and 1 more transcripts); c.416-21_416-20del (NM_001322013.2); c.56-21_56-20del (NM_001322012.2, NM_001322011.2); c.680-21_680-20del (NM_001322015.2); c.988+1997_988+1998del (NM_001322006.2); and 1 more.
Identifiers: ClinVar variation 419685 (VCV000419685.14), dbSNP rs745927005, ClinGen allele CA052786.
Genomic context (GRCh38, chr7:5,989,974, plus strand): 5'-AAATTTGCCTTTTATCTGGAGTAACATTGATATCAACGCATTCTAAGGCAAAAAAGAAAA[CAT>C]ATTTATTATGTTTAAATTCACTTTTATTTTATTTATTAATTATTATTTTCAGACAGCGTC-3'

ClinVar aggregate classification (germline): Benign/Likely benign. Review status: criteria provided, multiple submitters, no conflicts (2 of 4 stars). 6 submissions from 6 submitters: Benign (2); Likely benign (4). Last evaluated 2026-01-15.

Conditions:
Breast and/or ovarian cancer. Identifiers: MedGen CN221562.
Hereditary nonpolyposis colorectal neoplasms. Identifiers: MedGen C0009405, MeSH D003123.
Hereditary cancer-predisposing syndrome. Also called: Tumor predisposition; Hereditary Cancer Syndrome; Hereditary neoplastic syndrome; Neoplastic Syndromes, Hereditary. Identifiers: Orphanet 140162, MedGen C0027672, MeSH D009386, MONDO:0015356.
Lynch syndrome 4 (LYNCH4). Also called: Hereditary non-polyposis colorectal cancer, type 4; Colorectal cancer, hereditary nonpolyposis, type 4. Identifiers: Orphanet 144, MedGen C1838333, MONDO:0013699, OMIM 614337. Disease mechanism: loss of function.

Submissions (6):

Labcorp Genetics (formerly Invitae), Labcorp
Classification: Likely benign for Hereditary nonpolyposis colorectal neoplasms. Last evaluated: 2026-01-15. Review status: criteria provided, single submitter. Criteria: Invitae Variant Classification Sherloc (09022015). Collection method: clinical testing. Allele origin: germline.

Myriad Genetics, Inc.
Classification: Benign for Lynch syndrome 4. Last evaluated: 2025-01-29. Review status: criteria provided, single submitter. Criteria: Myriad Autosomal Dominant, Autosomal Recessive and X-Linked Classification Criteria (2023). Collection method: clinical testing. Allele origin: unknown.
Comment: This variant is considered benign. This variant is intronic and is not expected to impact mRNA splicing.

Blueprint Genetics
Classification: Likely benign. Last evaluated: 2024-11-27. Review status: criteria provided, single submitter. Criteria: ACMG Guidelines, 2015. Collection method: clinical testing. Allele origin: germline.

CHEO Genetics Diagnostic Laboratory, Children's Hospital of Eastern Ontario
Classification: Likely benign for Breast and/or ovarian cancer. Last evaluated: 2021-04-27. Review status: criteria provided, single submitter. Criteria: ACMG Guidelines, 2015. Collection method: clinical testing. Allele origin: germline.

Color Diagnostics, LLC DBA Color Health
Classification: Likely benign for Hereditary cancer-predisposing syndrome. Last evaluated: 2018-02-08. Review status: criteria provided, single submitter. Criteria: ACMG Guidelines, 2015. Collection method: clinical testing. Allele origin: germline.

GeneDx
Classification: Benign. Last evaluated: 2015-08-25. Review status: criteria provided, single submitter. Criteria: GeneDx Variant Classification (06012015). Collection method: clinical testing. Allele origin: germline. Affected: yes.
Comment: This variant is considered likely benign or benign based on one or more of the following criteria: it is a conservative change, it occurs at a poorly conserved position in the protein, it is predicted to be benign by multiple in silico algorithms, and/or has population frequency not consistent with disease.